The following is an entry in ClinVar:

ClinVar aggregate classification (germline): Uncertain significance (1 of 4 stars; one submission).

Conditions:
PLXNA1-related disorder. Also called: PLXNA1-related condition.

gnomAD v4.1: 1 of 1,612,998 alleles (0.000062%); highest among the groups gnomAD compares: Non-Finnish European, 0.000085%; no homozygotes.

Submission:

PreventionGenetics, part of Exact Sciences
Classification: Uncertain significance for PLXNA1-related condition. Last evaluated: 2025-07-30. Review status: criteria provided, single submitter. Criteria: ACMG Guidelines, 2015. Collection method: clinical testing. Allele origin: germline.
Comment: The PLXNA1 c.1991A>G variant is predicted to result in the amino acid substitution p.His664Arg. To our knowledge, this variant has not been reported in the literature or in a large population database (gnomAD), indicating this variant is rare. At this time, the clinical significance of this variant is uncertain due to the absence of conclusive functional and genetic evidence.

NM_032242.4(PLXNA1):c.1991A>G (p.His664Arg)

Gene: PLXNA1 (plexin A1; plus strand). Cytogenetic location: 3q21.3.
Variant type: single nucleotide variant.
Coding change: c.1991A>G on transcript NM_032242.4 (MANE Select); coding-DNA position 1991, A replaced by G.
Protein change: p.His664Arg; replaces histidine 664 with arginine.
Molecular consequence: missense variant.
Genome position (GRCh38, 1-based): chr3:127,006,172, A>G. VCF-style: chr3-127006172-A-G. GRCh37 (hg19) VCF-style: chr3-126725015-A-G.
Other names: short protein forms H664R.
Identifiers: ClinVar variation 4997289 (VCV004997289.1).
Genomic context (GRCh38, chr3:127,006,172, plus strand): 5'-CCAAGGAGACAGGGAAGAAGTTTGCGTCTGTGGACTTCGTCTTCTACAACTGCAGCGTCC[A>G]CCAGTCGTGAGTGTCTCTAGGCCCCTCCGCCCGCCTGGGCCTGGGCTACTTGCCCCACTC-3'
Protein context (NP_115618.3, residues 654-674): VDFVFYNCSV[His664Arg]QSCLSCVNGS